The following is an entry in ClinVar:

ClinVar aggregate classification (germline): Uncertain significance (1 of 4 stars; one submission).

Submission:

Labcorp Genetics (formerly Invitae), Labcorp
Classification: Uncertain significance. Last evaluated: 2023-03-30. Review status: criteria provided, single submitter. Criteria: Invitae Variant Classification Sherloc (09022015). Collection method: clinical testing. Allele origin: germline.
Comment: This sequence change replaces alanine, which is neutral and non-polar, with proline, which is neutral and non-polar, at codon 723 of the RFWD3 protein (p.Ala723Pro). This variant is not present in population databases (gnomAD no frequency). This variant has not been reported in the literature in individuals affected with RFWD3-related conditions. An algorithm developed to predict the effect of missense changes on protein structure and function (PolyPhen-2) suggests that this variant is likely to be tolerated. In summary, the available evidence is currently insufficient to determine the role of this variant in disease. Therefore, it has been classified as a Variant of Uncertain Significance.

NM_018124.4(RFWD3):c.2167G>C (p.Ala723Pro)

Gene: RFWD3 (ring finger and WD repeat domain 3; minus strand). Cytogenetic location: 16q23.1.
Variant type: single nucleotide variant.
Coding change: c.2167G>C on transcript NM_018124.4 (MANE Select); coding-DNA position 2167, G replaced by C.
Protein change: p.Ala723Pro; replaces alanine 723 with proline.
Molecular consequence: missense variant.
Genome position (GRCh38, 1-based): chr16:74,626,357, C>G on the plus strand (G>C on the coding strand, the complement: RFWD3 is on the minus strand). VCF-style: chr16-74626357-C-G. GRCh37 (hg19) VCF-style: chr16-74660255-C-G.
Other names: c.1333G>C, p.Ala445Pro (NM_001370540.1, NM_001370541.1, NM_001370542.1 and 3 more transcripts); c.2167G>C, p.Ala723Pro (NM_001370534.1, NM_001370535.1); c.1990G>C, p.Ala664Pro (NM_001370536.1); short protein forms A723P, A445P, A664P.
Identifiers: ClinVar variation 2851040 (VCV002851040.3), dbSNP rs2543921178, ClinGen allele CA396759188.